The following is an entry in ClinVar:

NM_004070.4(CLCNKA):c.345G>A (p.Thr115=)

Genes: CLCNKA (chloride voltage-gated channel Ka; plus strand), LOC106501712 (CLCNKA recombination region; plus strand). Cytogenetic location: 1p36.13.
Variant type: single nucleotide variant.
Coding change: c.345G>A on transcript NM_004070.4 (MANE Select); coding-DNA position 345, G replaced by A.
Protein change: p.Thr115=; no amino-acid change (threonine 115 retained).
Molecular consequence: synonymous variant. On other transcripts: intron variant (1).
Genome position (GRCh38, 1-based): chr1:16,024,878, G>A. VCF-style: chr1-16024878-G-A. GRCh37 (hg19) VCF-style: chr1-16351373-G-A.
Other names: c.345G>A, p.Thr115= (NM_001042704.2); c.229+950G>A (NM_001257139.2).
Identifiers: ClinVar variation 4958059 (VCV004958059.2).
Genomic context (GRCh38, chr1:16,024,878, plus strand): 5'-CTGGACTGTGTACCCTGTGGCCCTCGTCTCTTTCTCCTCAGGCTTCTCCCAGAGCATCAC[G>A]CCCTCCTCTGGAGGTGAGTCCACGGTCGCCATGCCAGTCCCCAGTGCCAAAACCTTCTCA-3'
Protein context (NP_004061.3, residues 105-125): SFSSGFSQSI[Thr115=]PSSGGSGIPE

ClinVar aggregate classification (germline): Likely benign. Review status: criteria provided, multiple submitters, no conflicts (2 of 4 stars). 2 submissions from 2 submitters: Likely benign (2). Last evaluated 2026-07-01.

gnomAD v4.1: 86 of 1,614,054 alleles (0.0053%); highest among the groups gnomAD compares: East Asian, 0.067%; 1 homozygote.

Submissions (2):

CeGaT Center for Human Genetics Tuebingen
Classification: Likely benign. Last evaluated: 2026-07-01. Review status: criteria provided, single submitter. Criteria: CeGaT Center For Human Genetics Tuebingen Variant Classification Criteria Version 2. Collection method: clinical testing. Allele origin: germline. Affected: yes. Observed: 1 variant allele.
Comment: CLCNKA: BP4, BP7

Blueprint Genetics
Classification: Likely benign. Last evaluated: 2024-08-02. Review status: criteria provided, single submitter. Criteria: ACMG Guidelines, 2015. Collection method: clinical testing. Allele origin: germline.